The following is an entry in ClinVar:

NM_006206.6(PDGFRA):c.2002+1del

Gene: PDGFRA (platelet derived growth factor receptor alpha; plus strand). Cytogenetic location: 4q12.
Variant type: Deletion.
Coding change: c.2002+1del on transcript NM_006206.6 (MANE Select); the canonical splice donor site of the intron after coding-DNA position 2002, one base deleted (G; older notation c.2002+1delG).
Molecular consequence: splice donor variant.
Genome position (GRCh38, 1-based): chr4:54,278,007, G deleted; the last of 2 consecutive G bases (chr4:54,278,006-54,278,007); deleting either gives the same sequence. VCF-style (leftmost placement, unchanged base first): chr4-54278005-AG-A. GRCh37 (hg19) VCF-style: chr4-55144172-AG-A.
Other names: c.2077+1del (NM_001347828.2); c.2002+1del (NM_001347827.2, NM_001347829.2); c.2041+1del (NM_001347830.2).
Identifiers: ClinVar variation 5026456 (VCV005026456.1).

ClinVar aggregate classification (germline): Uncertain significance (1 of 4 stars; one submission).

Conditions:
Hereditary cancer-predisposing syndrome. Also called: Neoplastic Syndromes, Hereditary; Tumor predisposition; Hereditary neoplastic syndrome; Hereditary Cancer Syndrome. Identifiers: Orphanet 140162, MedGen C0027672, MeSH D009386, MONDO:0015356.

Submission:

Ambry Genetics
Classification: Uncertain significance for Hereditary cancer-predisposing syndrome. Last evaluated: 2026-09-10. Review status: criteria provided, single submitter. Criteria: Ambry Variant Classification Scheme 2023. Collection method: clinical testing. Allele origin: germline.
Comment: The c.2002+1delG intronic variant is located 1 nucleotide after coding exon 13 of the PDGFRA gene. This variant results from a deletion of one nucleotide at position c.2002+1. This nucleotide position is highly conserved in available vertebrate species. In silico splice site analysis predicts that this alteration will weaken the native splice donor site and may result in the creation or strengthening of a novel splice donor site. Variants that disrupt the canonical splice site are expected to cause aberrant splicing, resulting in an abnormal protein or a transcript that is subject to nonsense-mediated mRNA decay. However, loss of function has not been established as a mechanism of disease. Based on the available evidence, the clinical significance of this variant remains unclear.